The following is an entry in ClinVar:

ClinVar aggregate classification (germline): Uncertain significance (1 of 4 stars; one submission).

Conditions:
Hereditary spastic paraplegia 30. Identifiers: Orphanet 101010, MedGen C5235139, MONDO:0012476.
Neuropathy, hereditary sensory, type 2C. Also called: KIF1A-Related HSAN2 (HSAN2C); Hereditary sensory and autonomic neuropathy type IIC. Identifiers: Orphanet 970, MedGen C3280168, MONDO:0013634, OMIM 614213.
Intellectual disability, autosomal dominant 9 (NESCAVS). Also called: KIF1A-Related Neurodevelopmental Disorder; NESCAV SYNDROME. Identifiers: Orphanet 662367, MedGen C5393830, MONDO:0013656, OMIM 614255.

Submission:

Labcorp Genetics (formerly Invitae), Labcorp
Classification: Uncertain significance for Hereditary spastic paraplegia 30; Neuropathy, hereditary sensory, type 2C; Intellectual disability, autosomal dominant 9. Last evaluated: 2024-02-17. Review status: criteria provided, single submitter. Criteria: Invitae Variant Classification Sherloc (09022015). Collection method: clinical testing. Allele origin: germline.
Comment: This sequence change replaces methionine, which is neutral and non-polar, with isoleucine, which is neutral and non-polar, at codon 1107 of the KIF1A protein (p.Met1107Ile). This variant is not present in population databases (gnomAD no frequency). This variant has not been reported in the literature in individuals affected with KIF1A-related conditions. ClinVar contains an entry for this variant (Variation ID: 1462421). Advanced modeling of protein sequence and biophysical properties (such as structural, functional, and spatial information, amino acid conservation, physicochemical variation, residue mobility, and thermodynamic stability) performed at Invitae indicates that this missense variant is not expected to disrupt KIF1A protein function with a negative predictive value of 95%. In summary, the available evidence is currently insufficient to determine the role of this variant in disease. Therefore, it has been classified as a Variant of Uncertain Significance.

NM_001244008.2(KIF1A):c.3624G>A (p.Met1208Ile)

Gene: KIF1A (kinesin family member 1A; minus strand). Cytogenetic location: 2q37.3.
Variant type: single nucleotide variant.
Coding change: c.3624G>A on transcript NM_001244008.2 (MANE Select); coding-DNA position 3624, G replaced by A.
Protein change: p.Met1208Ile; replaces methionine 1208 with isoleucine.
Molecular consequence: missense variant.
Genome position (GRCh38, 1-based): chr2:240,742,945, C>T on the plus strand (G>A on the coding strand, the complement: KIF1A is on the minus strand). VCF-style: chr2-240742945-C-T. GRCh37 (hg19) VCF-style: chr2-241682362-C-T.
Other names: c.3348G>A, p.Met1116Ile (NM_001320705.2, NM_001330289.2, NM_001379638.1); c.3423G>A, p.Met1141Ile (NM_001330290.2, NM_001379634.1, NM_001379635.1 and 1 more transcripts); c.3699G>A, p.Met1233Ile (NM_001379631.1); c.3573G>A, p.Met1191Ile (NM_001379632.1); c.3597G>A, p.Met1199Ile (NM_001379633.1, NM_001379642.1, NM_001379645.1); c.3321G>A, p.Met1107Ile (NM_001379636.1, NM_001379639.1, NM_001379641.1 and 5 more transcripts); c.3396G>A, p.Met1132Ile (NM_001379637.1, NM_001379648.1); c.3318G>A, p.Met1106Ile (NM_001379640.1); short protein forms M1208I, M1107I, M1141I, M1191I, M1233I, M1106I, M1116I, M1132I.
Identifiers: ClinVar variation 1462421 (VCV001462421.8), dbSNP rs2125769146, ClinGen allele CA351316397.